The following is an entry in ClinVar:

ClinVar aggregate classification (germline): Pathogenic (1 of 4 stars; one submission).

Submission:

Labcorp Genetics (formerly Invitae), Labcorp
Classification: Pathogenic. Last evaluated: 2023-08-04. Review status: criteria provided, single submitter. Criteria: Invitae Variant Classification Sherloc (09022015). Collection method: clinical testing. Allele origin: germline.
Comment: For these reasons, this variant has been classified as Pathogenic. This variant has not been reported in the literature in individuals affected with RASGRP2-related conditions. This variant is not present in population databases (gnomAD no frequency). This sequence change creates a premature translational stop signal (p.Pro401Hisfs*119) in the RASGRP2 gene. It is expected to result in an absent or disrupted protein product. Loss-of-function variants in RASGRP2 are known to be pathogenic (PMID: 27235135, 27663674).

Literature cited by the submitters: PubMed 27235135; PubMed 27663674.

NM_001098671.2(RASGRP2):c.1195_1196dup (p.Pro401fs)

Gene: RASGRP2 (RAS guanyl releasing protein 2; minus strand). Cytogenetic location: 11q13.1.
Variant type: Duplication.
Coding change: c.1195_1196dup on transcript NM_001098671.2 (MANE Select); coding-DNA positions 1195 to 1196, 2 bases duplicated (AC; older notation c.1195_1196dupAC).
Protein change: p.Pro401fs; shifts the reading frame from proline 401.
Molecular consequence: frameshift variant.
Genome position (GRCh38, 1-based): chr11:64,735,642-64,735,643, GT duplicated on the plus strand (AC on the coding strand, the reverse complement: RASGRP2 is on the minus strand); duplicating any 2 consecutive bases within chr11:64,735,642-64,735,644 gives the same sequence; the c. name uses the placement nearest the transcript's 3' end. VCF-style (leftmost placement, unchanged base first): chr11-64735641-G-GGT. GRCh37 (hg19) VCF-style: chr11-64503113-G-GGT.
Other names: c.1195_1196dup, p.Pro401fs (NM_001098670.2); c.760_761dup, p.Pro256fs (NM_001318398.2); c.1194_1195dup, p.Pro401Hisfs (NM_153819.2); short protein forms P256fs, P401fs.
Identifiers: ClinVar variation 2737271 (VCV002737271.3), dbSNP rs2496499928, ClinGen allele CA2697548609.